The following is an entry in ClinVar:

NM_002474.3(MYH11):c.531-19_531-17del

Gene: MYH11 (myosin heavy chain 11; minus strand). Cytogenetic location: 16p13.11.
Variant type: Microsatellite.
Coding change: c.531-19_531-17del on transcript NM_002474.3 (MANE Select); 19 bases into the intron before coding-DNA position 531 through 17 bases into the intron before coding-DNA position 531, 3 bases deleted (ATG; older notation c.531-19_531-17delATG).
Molecular consequence: intron variant.
Genome position (GRCh38, 1-based): chr16:15,786,749-15,786,751, CAT deleted on the plus strand (ATG on the coding strand, the reverse complement: MYH11 is on the minus strand); deleting any 3 consecutive bases within chr16:15,786,749-15,786,755 gives the same sequence; the c. name uses the placement nearest the transcript's 3' end. VCF-style (leftmost placement, unchanged base first): chr16-15786748-ACAT-A. GRCh37 (hg19) VCF-style: chr16-15880605-ACAT-A.
Other names: c.531-19_531-17del (NM_022844.3, NM_001040114.2, NM_001040113.2).
Identifiers: ClinVar variation 977705 (VCV000977705.1), dbSNP rs2042478963, ClinGen allele CA2209934010.

ClinVar aggregate classification (germline): Uncertain significance (1 of 4 stars; one submission).

Submission:

Women's Health and Genetics/Laboratory Corporation of America, LabCorp
Classification: Uncertain significance. Last evaluated: 2020-08-10. Review status: criteria provided, single submitter. Criteria: LabCorp Variant Classification Summary - May 2015. Collection method: clinical testing. Allele origin: germline.
Comment: Variant summary: MYH11 c.531-19_531-17delATG alters a non-conserved nucleotide located close to a canonical splice site and therefore could affect mRNA splicing, leading to a significantly altered protein sequence. 4/4 computational tools predict no significant impact on normal splicing. However, these predictions have yet to be confirmed by functional studies. The variant was absent in 249266 control chromosomes (gnomAD). The available data on variant occurrences in the general population are insufficient to allow any conclusion about variant significance. To our knowledge, no occurrence of c.531-19_531-17delATG in individuals affected with Thoracic Aortic Aneurysms and Dissections and no experimental evidence demonstrating its impact on protein function have been reported. No clinical diagnostic laboratories have submitted clinical-significance assessments for this variant to ClinVar after 2014. Based on the evidence outlined above, the variant was classified as uncertain significance.